The following is an entry in ClinVar:

NR_023317.1(RNU7-1):n.44delinsTT

Genes: C12orf57 (chromosome 12 open reading frame 57; plus strand), RNU7-1 (RNA, U7 small nuclear 1; plus strand). Cytogenetic location: 12p13.31.
Variant type: Indel.
Molecular consequence: non-coding transcript variant (on NR_023317.1). On other transcripts: intron variant (2).
Genome position: GRCh38 VCF-style: chr12-6943859-C-TT. GRCh37 (hg19) VCF-style: chr12-7053022-C-TT.
Other names: c.13+197delinsTT (NM_001301836.2); c.-16+197delinsTT (NM_001301834.1).
Identifiers: ClinVar variation 4688985 (VCV004688985.1).

ClinVar aggregate classification (germline): Uncertain significance (1 of 4 stars; one submission).

Submission:

Women's Health and Genetics/Laboratory Corporation of America, LabCorp
Classification: Uncertain significance. Last evaluated: 2026-01-30. Review status: criteria provided, single submitter. Criteria: LabCorp Variant Classification Summary - May 2015. Collection method: clinical testing. Allele origin: germline.
Comment: Variant summary: RNU7-1 n.44delinsTT alters a nucleotide in the non-coding RNA. The variant was absent in 31326 control chromosomes (gnomAD). The available data on variant occurrences in the general population are insufficient to allow any conclusion about variant significance. To our knowledge, no occurrence of n.44delinsTT in individuals affected with RNU7-1-related conditions and no experimental evidence demonstrating its impact on protein function have been reported. No submitters have cited clinical-significance assessments for this variant to ClinVar. Based on the evidence outlined above, the variant was classified as uncertain significance.